The following is an entry in ClinVar:

NM_001346754.2(PIGW):c.619T>A (p.Trp207Arg)

Genes: MYO19 (myosin XIX; minus strand), PIGW (phosphatidylinositol glycan anchor biosynthesis class W; plus strand). Cytogenetic location: 17q12.
Variant type: single nucleotide variant.
Coding change: c.619T>A on transcript NM_001346754.2 (MANE Select); coding-DNA position 619, T replaced by A.
Protein change: p.Trp207Arg; replaces tryptophan 207 with arginine.
Molecular consequence: missense variant.
Genome position (GRCh38, 1-based): chr17:36,537,720, T>A. VCF-style: chr17-36537720-T-A. GRCh37 (hg19) VCF-style: chr17-34893569-T-A.
Other names: c.619T>A, p.Trp207Arg (NM_001346755.2, NM_178517.5); short protein forms W207R.
Identifiers: ClinVar variation 1399328 (VCV001399328.4), dbSNP rs1334939813, ClinGen allele CA399163069.
Genomic context (GRCh38, chr17:36,537,720, plus strand): 5'-AGGAGAAAATATATGGAAGGGTCCAAATTGCATTACTTTACAAACTCATTGTACTCTGTT[T>A]GGCCATTAGTCTTCCTAGGAATCGGACGATTAGCCATTATAAAATCAATAGGCTATCAGG-3'
Protein context (NP_001333683.1, residues 197-217): HYFTNSLYSV[Trp207Arg]PLVFLGIGRL

ClinVar aggregate classification (germline): Uncertain significance (1 of 4 stars; one submission).

Conditions:
Hyperphosphatasia with intellectual disability syndrome 5 (GPIBD11). Also called: GLYCOSYLPHOSPHATIDYLINOSITOL BIOSYNTHESIS DEFECT 11. Identifiers: Orphanet 247262, MedGen C4014958, MONDO:0014457, OMIM 616025.

Allele frequency attached by ClinVar (database versions not stated): gnomAD exomes below 0.00001.
gnomAD v4.1: 1 of 1,614,118 alleles (0.000062%); highest among the groups gnomAD compares: Admixed American, 0.0017%; no homozygotes.

Submission:

Labcorp Genetics (formerly Invitae), Labcorp
Classification: Uncertain significance for Hyperphosphatasia with intellectual disability syndrome 5. Last evaluated: 2022-08-23. Review status: criteria provided, single submitter. Criteria: Invitae Variant Classification Sherloc (09022015). Collection method: clinical testing. Allele origin: germline.
Comment: In summary, the available evidence is currently insufficient to determine the role of this variant in disease. Therefore, it has been classified as a Variant of Uncertain Significance. Algorithms developed to predict the effect of sequence changes on RNA splicing suggest that this variant may create or strengthen a splice site. Algorithms developed to predict the effect of missense changes on protein structure and function are either unavailable or do not agree on the potential impact of this missense change (SIFT: "Tolerated"; PolyPhen-2: "Possibly Damaging"; Align-GVGD: "Class C0"). ClinVar contains an entry for this variant (Variation ID: 1399328). This variant has not been reported in the literature in individuals affected with PIGW-related conditions. This variant is present in population databases (no rsID available, gnomAD 0.003%). This sequence change replaces tryptophan, which is neutral and slightly polar, with arginine, which is basic and polar, at codon 207 of the PIGW protein (p.Trp207Arg).